The following is an entry in ClinVar:

ClinVar aggregate classification (germline): Pathogenic. Review status: criteria provided, multiple submitters, no conflicts (2 of 4 stars). 2 submissions from 2 submitters: Pathogenic (2). Last evaluated 2024-07-30.

Conditions:
Tumor predisposition syndrome 3 (TPDS3). Also called: Glioma susceptibility 9; LONG TELOMERE SYNDROME, POT1-RELATED; POT1 Tumor Predisposition; Melanoma, cutaneous malignant, susceptibility to, 10. Identifiers: Orphanet 618, MedGen C4014476, MONDO:0014368, OMIM 615848.
Hereditary cancer-predisposing syndrome. Also called: Tumor predisposition; Neoplastic Syndromes, Hereditary; Hereditary Cancer Syndrome; Hereditary neoplastic syndrome. Identifiers: Orphanet 140162, MedGen C0027672, MeSH D009386, MONDO:0015356.

Allele frequency attached by ClinVar (database versions not stated): gnomAD exomes below 0.00001; ExAC 0.00002.

Submissions (2):

Labcorp Genetics (formerly Invitae), Labcorp
Classification: Pathogenic for Tumor predisposition syndrome 3. Last evaluated: 2024-07-30. Review status: criteria provided, single submitter. Criteria: Invitae Variant Classification Sherloc (09022015). Collection method: clinical testing. Allele origin: germline.
Comment: This sequence change creates a premature translational stop signal (p.Asp561Valfs*14) in the POT1 gene. It is expected to result in an absent or disrupted protein product. Loss-of-function variants in POT1 are known to be pathogenic (PMID: 32155570). This variant is present in population databases (rs765028767, gnomAD 0.003%). This variant has not been reported in the literature in individuals affected with POT1-related conditions. ClinVar contains an entry for this variant (Variation ID: 1924318). For these reasons, this variant has been classified as Pathogenic.

Ambry Genetics
Classification: Pathogenic for Hereditary cancer-predisposing syndrome. Last evaluated: 2023-09-11. Review status: criteria provided, single submitter. Criteria: Ambry Variant Classification Scheme 2023. Collection method: clinical testing. Allele origin: germline.
Comment: The c.1682delA pathogenic mutation, located in coding exon 13 of the POT1 gene, results from a deletion of one nucleotide at nucleotide position 1682, causing a translational frameshift with a predicted alternate stop codon (p.D561Vfs*14). This alteration has been observed in at least one individual with a personal and/or family history that is consistent with POT1-related disease (Ambry internal data). This alteration is expected to result in loss of function by premature protein truncation or nonsense-mediated mRNA decay. As such, this alteration is interpreted as a disease-causing mutation.

Literature cited by the submitters: PubMed 32155570 (cited by Labcorp Genetics (formerly Invitae), Labcorp).

NM_015450.3(POT1):c.1682del (p.Asp561fs)

Gene: POT1 (protection of telomeres 1; minus strand). Cytogenetic location: 7q31.33.
Variant type: Deletion.
Coding change: c.1682del on transcript NM_015450.3 (MANE Select); coding-DNA position 1682, one base deleted (A; older notation c.1682delA).
Protein change: p.Asp561fs; shifts the reading frame from aspartic acid 561.
Molecular consequence: frameshift variant. On other transcripts: non-coding transcript variant (3).
Genome position (GRCh38, 1-based): chr7:124,827,218, T deleted on the plus strand (A on the coding strand, the reverse complement: POT1 is on the minus strand). VCF-style (leftmost placement, unchanged base first): chr7-124827217-AT-A. GRCh37 (hg19) VCF-style: chr7-124467271-AT-A.
Other names: c.1682delA (NM_015450.2); c.1289del, p.Asp430fs (NM_001042594.2); short protein forms D561fs, D430fs.
Identifiers: ClinVar variation 1924318 (VCV001924318.7), dbSNP rs765028767, ClinGen allele CA4465021.